The following is an entry in ClinVar:

ClinVar aggregate classification (germline): Uncertain significance (1 of 4 stars; one submission).

Submission:

Labcorp Genetics (formerly Invitae), Labcorp
Classification: Uncertain significance. Last evaluated: 2021-12-23. Review status: criteria provided, single submitter. Criteria: Invitae Variant Classification Sherloc (09022015). Collection method: clinical testing. Allele origin: germline.
Comment: This sequence change replaces asparagine, which is neutral and polar, with lysine, which is basic and polar, at codon 278 of the GNPTG protein (p.Asn278Lys). This variant is not present in population databases (gnomAD no frequency). This variant has not been reported in the literature in individuals affected with GNPTG-related conditions. Algorithms developed to predict the effect of missense changes on protein structure and function (SIFT, PolyPhen-2, Align-GVGD) all suggest that this variant is likely to be tolerated. In summary, the available evidence is currently insufficient to determine the role of this variant in disease. Therefore, it has been classified as a Variant of Uncertain Significance.

NM_032520.5(GNPTG):c.834C>G (p.Asn278Lys)

Gene: GNPTG (N-acetylglucosamine-1-phosphate transferase subunit gamma; plus strand). Cytogenetic location: 16p13.3.
Variant type: single nucleotide variant.
Coding change: c.834C>G on transcript NM_032520.5 (MANE Select); coding-DNA position 834, C replaced by G.
Protein change: p.Asn278Lys; replaces asparagine 278 with lysine.
Molecular consequence: missense variant.
Genome position (GRCh38, 1-based): chr16:1,363,007, C>G. VCF-style: chr16-1363007-C-G. GRCh37 (hg19) VCF-style: chr16-1413008-C-G.
Other names: short protein forms N278K.
Identifiers: ClinVar variation 1955237 (VCV001955237.2), dbSNP rs559329222, ClinGen allele CA276659549.